The following is an entry in ClinVar:

NM_001127222.2(CACNA1A):c.6650A>T (p.His2217Leu)

Gene: CACNA1A (calcium voltage-gated channel subunit alpha1 A; minus strand). Cytogenetic location: 19p13.13.
Variant type: single nucleotide variant.
Coding change: c.6650A>T on transcript NM_001127222.2 (MANE Select); coding-DNA position 6650, A replaced by T.
Protein change: p.His2217Leu; replaces histidine 2217 with leucine.
Molecular consequence: missense variant.
Genome position (GRCh38, 1-based): chr19:13,208,886, T>A on the plus strand (A>T on the coding strand, the complement: CACNA1A is on the minus strand). VCF-style: chr19-13208886-T-A. GRCh37 (hg19) VCF-style: chr19-13319700-T-A.
Other names: c.6668A>T, p.His2223Leu (NM_000068.4, NM_023035.3); c.6653A>T, p.His2218Leu (NM_001127221.2); c.6659A>T, p.His2220Leu (NM_001174080.2); short protein forms H2217L, H2218L, H2220L, H2223L.
Identifiers: ClinVar variation 1009554 (VCV001009554.9), dbSNP rs2054686938, ClinGen allele CA404330443.

ClinVar aggregate classification (germline): Uncertain significance (1 of 4 stars; one submission).

Conditions:
Developmental and epileptic encephalopathy, 42 (DEE42A). Also called: Epileptic encephalopathy, early infantile, 42; DEVELOPMENTAL AND EPILEPTIC ENCEPHALOPATHY 42A; EPILEPTIC ENCEPHALOPATHY, EARLY INFANTILE, 42A. Identifiers: MedGen C4310716, MONDO:0014917, OMIM 617106.
Episodic ataxia type 2 (EA2). Also called: ACETAZOLAMIDE-RESPONSIVE HEREDITARY PAROXYSMAL CEREBELLAR ATAXIA; ATAXIA, EPISODIC, WITH NYSTAGMUS; ATAXIA, FAMILIAL PAROXYSMAL; CEREBELLAR ATAXIA, PAROXYSMAL, ACETAZOLAMIDE-RESPONSIVE; CEREBELLOPATHY, HEREDITARY PAROXYSMAL; EPISODIC ATAXIA, NYSTAGMUS-ASSOCIATED. Identifiers: Orphanet 97, MedGen C1720416, MONDO:0007163, OMIM 108500.

Submission:

Labcorp Genetics (formerly Invitae), Labcorp
Classification: Uncertain significance for Developmental and epileptic encephalopathy, 42; Episodic ataxia type 2. Last evaluated: 2020-08-06. Review status: criteria provided, single submitter. Criteria: Invitae Variant Classification Sherloc (09022015). Collection method: clinical testing. Allele origin: germline.
Comment: This sequence change replaces histidine with leucine at codon 2218 of the CACNA1A protein (p.His2218Leu). The histidine residue is weakly conserved and there is a moderate physicochemical difference between histidine and leucine. In summary, the available evidence is currently insufficient to determine the role of this variant in disease. Therefore, it has been classified as a Variant of Uncertain Significance. Advanced modeling of protein sequence and biophysical properties (such as structural, functional, and spatial information, amino acid conservation, physicochemical variation, residue mobility, and thermodynamic stability) performed at Invitae indicates that this missense variant is not expected to disrupt CACNA1A protein function. This variant has not been reported in the literature in individuals with CACNA1A-related conditions. The frequency data for this variant in the population databases is considered unreliable, as metrics indicate insufficient coverage at this position in the ExAC database.